The following is an entry in ClinVar:

NM_001943.5(DSG2):c.2720T>G (p.Val907Gly)

Genes: DSG2 (desmoglein 2; plus strand), DSG2-AS1 (DSG2 antisense RNA 1; minus strand). Cytogenetic location: 18q12.1.
Variant type: single nucleotide variant.
Coding change: c.2720T>G on transcript NM_001943.5 (MANE Select); coding-DNA position 2720, T replaced by G.
Protein change: p.Val907Gly; replaces valine 907 with glycine.
Molecular consequence: missense variant.
Genome position (GRCh38, 1-based): chr18:31,546,106, T>G. VCF-style: chr18-31546106-T-G. GRCh37 (hg19) VCF-style: chr18-29126069-T-G.
Other names: short protein forms V907G.
Identifiers: ClinVar variation 842100 (VCV000842100.10), dbSNP rs2073306318, ClinGen allele CA402146384.

ClinVar aggregate classification (germline): Uncertain significance. Review status: criteria provided, multiple submitters, no conflicts (2 of 4 stars). 2 submissions from 2 submitters: Uncertain significance (2). Last evaluated 2024-05-09.

Conditions:
Arrhythmogenic right ventricular cardiomyopathy (ARVD). Also called: Cardiomyopathy, ARVC; Arrhythmogenic right ventricular dysplasia; Arrhythmogenic cardiomyopathy; Arrhythmogenic Right Ventricular Cardiomyopathy (ARVC). Identifiers: Orphanet 247, MedGen C0349788, MeSH D019571, MONDO:0016587. Disease mechanism: loss of function. Inheritance: Various modes of inheritance.
Arrhythmogenic right ventricular dysplasia 10. Also called: Arrhythmogenic Right Ventricular Dysplasia/Cardiomyopathy10; ARRHYTHMOGENIC RIGHT VENTRICULAR DYSPLASIA, FAMILIAL, 10; Arrhythmogenic right ventricular dysplasia/cardiomyopathy, type 10. Identifiers: MedGen C1857777, MONDO:0012434, OMIM 610193.

gnomAD v4.1: 3 of 1,614,190 alleles (0.00019%); highest among the groups gnomAD compares: Non-Finnish European, 0.00025%; no homozygotes.

Submissions (2):

All of Us Research Program, National Institutes of Health
Classification: Uncertain significance for Arrhythmogenic right ventricular cardiomyopathy. Last evaluated: 2024-05-09. Review status: criteria provided, single submitter. Criteria: ACMG Guidelines, 2015. Collection method: clinical testing. Allele origin: germline. Inheritance: Autosomal dominant inheritance. Observed: 1 variant allele, 1 heterozygote.
Comment: This study involves interpretation of variants in research participants for the purpose of population health screening. Participant phenotype was not available at the time of variant classification. Additional details can be found in publication PMID: 35346344, PMCID: PMC8962531

Labcorp Genetics (formerly Invitae), Labcorp
Classification: Uncertain significance for Arrhythmogenic right ventricular dysplasia 10. Last evaluated: 2021-02-02. Review status: criteria provided, single submitter. Criteria: Invitae Variant Classification Sherloc (09022015). Collection method: clinical testing. Allele origin: germline.
Comment: In summary, the available evidence is currently insufficient to determine the role of this variant in disease. Therefore, it has been classified as a Variant of Uncertain Significance. Algorithms developed to predict the effect of missense changes on protein structure and function are either unavailable or do not agree on the potential impact of this missense change (SIFT: "Deleterious"; PolyPhen-2: "Possibly Damaging"; Align-GVGD: "Class C0"). This variant has not been reported in the literature in individuals with DSG2-related conditions. This variant is not present in population databases (ExAC no frequency). This sequence change replaces valine with glycine at codon 907 of the DSG2 protein (p.Val907Gly). The valine residue is moderately conserved and there is a moderate physicochemical difference between valine and glycine.